The following is an entry in ClinVar:

NM_005591.4(MRE11):c.157G>C (p.Asp53His)

Gene: MRE11 (MRE11 double strand break repair nuclease; minus strand). Cytogenetic location: 11q21.
Variant type: single nucleotide variant.
Coding change: c.157G>C on transcript NM_005591.4 (MANE Select); coding-DNA position 157, G replaced by C.
Protein change: p.Asp53His; replaces aspartic acid 53 with histidine.
Molecular consequence: missense variant.
Genome position (GRCh38, 1-based): chr11:94,486,081, C>G on the plus strand (G>C on the coding strand, the complement: MRE11 is on the minus strand). VCF-style: chr11-94486081-C-G. GRCh37 (hg19) VCF-style: chr11-94219247-C-G.
Other names: c.157G>C, p.Asp53His (NM_001330347.2, NM_005590.4); short protein forms D53H.
Identifiers: ClinVar variation 1800080 (VCV001800080.2), dbSNP rs2496621779, ClinGen allele CA382379997.

ClinVar aggregate classification (germline): Uncertain significance (1 of 4 stars; one submission).

Conditions:
Hereditary cancer-predisposing syndrome. Also called: Neoplastic Syndromes, Hereditary; Tumor predisposition; Hereditary Cancer Syndrome; Hereditary neoplastic syndrome. Identifiers: Orphanet 140162, MedGen C0027672, MeSH D009386, MONDO:0015356.

Submission:

Ambry Genetics
Classification: Uncertain significance for Hereditary cancer-predisposing syndrome. Last evaluated: 2022-03-23. Review status: criteria provided, single submitter. Criteria: Ambry Variant Classification Scheme 2023. Collection method: clinical testing. Allele origin: germline.
Comment: The p.D53H variant (also known as c.157G>C), located in coding exon 3 of the MRE11A gene, results from a G to C substitution at nucleotide position 157. The aspartic acid at codon 53 is replaced by histidine, an amino acid with similar properties. This amino acid position is conserved. In addition, this alteration is predicted to be deleterious by in silico analysis. Since supporting evidence is limited at this time, the clinical significance of this alteration remains unclear.